The following is an entry in ClinVar:

NM_015335.5(MED13L):c.652G>A (p.Gly218Arg)

Gene: MED13L (mediator complex subunit 13L; minus strand). Cytogenetic location: 12q24.21.
Variant type: single nucleotide variant.
Coding change: c.652G>A on transcript NM_015335.5 (MANE Select); coding-DNA position 652, G replaced by A.
Protein change: p.Gly218Arg; replaces glycine 218 with arginine.
Molecular consequence: missense variant.
Genome position (GRCh38, 1-based): chr12:116,019,946, C>T on the plus strand (G>A on the coding strand, the complement: MED13L is on the minus strand). VCF-style: chr12-116019946-C-T. GRCh37 (hg19) VCF-style: chr12-116457751-C-T.
Other names: short protein forms G218R.
Identifiers: ClinVar variation 2501411 (VCV002501411.2), dbSNP rs546865056, ClinGen allele CA244127702.

ClinVar aggregate classification (germline): Likely pathogenic (1 of 4 stars; one submission).

Allele frequency attached by ClinVar (database versions not stated): 1000 Genomes Project 0.00020.

Submission:

GeneDx
Classification: Likely pathogenic. Last evaluated: 2024-03-10. Review status: criteria provided, single submitter. Criteria: GeneDx Variant Classification Process June 2021. Collection method: clinical testing. Allele origin: germline. Affected: yes.
Comment: Not observed at significant frequency in large population cohorts (gnomAD); In silico analysis supports that this missense variant has a deleterious effect on protein structure/function; In silico analysis supports a deleterious effect on splicing; Has not been previously published as pathogenic or benign to our knowledge